The following is an entry in ClinVar:

ClinVar aggregate classification (germline): Likely pathogenic (1 of 4 stars; one submission).

Submission:

CeGaT Center for Human Genetics Tuebingen
Classification: Likely pathogenic. Last evaluated: 2025-01-01. Review status: criteria provided, single submitter. Criteria: CeGaT Center For Human Genetics Tuebingen Variant Classification Criteria Version 2. Collection method: clinical testing. Allele origin: germline. Affected: yes. Observed: 1 variant allele.
Comment: COL4A2: PVS1:Strong, PM2

NM_001846.4(COL4A2):c.1213_1222delinsTCAGATCAGAGAGG (p.Glu405fs)

Gene: COL4A2 (collagen type IV alpha 2 chain; plus strand). Cytogenetic location: 13q34.
Variant type: Indel.
Coding change: c.1213_1222delinsTCAGATCAGAGAGG on transcript NM_001846.4 (MANE Select); coding-DNA positions 1213 to 1222, GAGATGGGAC replaced by TCAGATCAGAGAGG.
Protein change: p.Glu405fs; shifts the reading frame from glutamic acid 405.
Molecular consequence: frameshift variant.
Genome position (GRCh38, 1-based): chr13:110,450,328-110,450,337, GAGATGGGAC replaced by TCAGATCAGAGAGG. VCF-style: chr13-110450328-GAGATGGGAC-TCAGATCAGAGAGG. GRCh37 (hg19) VCF-style: chr13-111102675-GAGATGGGAC-TCAGATCAGAGAGG.
Other names: short protein forms E405fs.
Identifiers: ClinVar variation 3772625 (VCV003772625.13).